The following is an entry in ClinVar:

NM_016592.5(GNAS):c.466G>A (p.Gly156Ser)

Genes: GNAS (GNAS complex locus; plus strand), GNAS-AS1 (GNAS antisense RNA 1; minus strand). Cytogenetic location: 20q13.32.
Variant type: single nucleotide variant.
Coding change: c.466G>A on transcript NM_016592.5 (MANE Plus Clinical); coding-DNA position 466, G replaced by A.
Protein change: p.Gly156Ser; replaces glycine 156 with serine.
Molecular consequence: missense variant. On other transcripts: 5 prime UTR variant (1).
Genome position (GRCh38, 1-based): chr20:58,840,572, G>A. VCF-style: chr20-58840572-G-A. GRCh37 (hg19) VCF-style: chr20-57415627-G-A.
Other names: c.-272G>A (NM_001410912.1); short protein forms G156S.
Identifiers: ClinVar variation 3355554 (VCV003355554.1).

ClinVar aggregate classification (germline): Uncertain significance (0 of 4 stars; one submission).

Conditions:
GNAS-related disorder. Identifiers: MedGen CN380105.

gnomAD v4.1: 13 of 1,612,490 alleles (0.00081%); highest among the groups gnomAD compares: African/African-American, 0.004%; no homozygotes.

Submission:

PreventionGenetics, part of Exact Sciences
Classification: Uncertain significance for GNAS-related condition. Last evaluated: 2024-07-11. Review status: no assertion criteria provided. Collection method: clinical testing. Allele origin: germline.
Comment: The GNAS c.466G>A variant is predicted to result in the amino acid substitution p.Gly156Ser. In the primary GNAS transcript (NM_000516.5), this variant is found within a non-coding region (c.-51155G>A). To our knowledge, this variant has not been reported in the literature. This variant is reported in 0.0062% of alleles in individuals of African descent in gnomAD. At this time, the clinical significance of this variant is uncertain due to the absence of conclusive functional and genetic evidence.